The following is an entry in ClinVar:

NM_017534.6(MYH2):c.4237G>A (p.Val1413Met)

Genes: MYHAS (myosin heavy chain gene cluster antisense RNA; plus strand), MYH2 (myosin heavy chain 2; minus strand). Cytogenetic location: 17p13.1.
Variant type: single nucleotide variant.
Coding change: c.4237G>A on transcript NM_017534.6 (MANE Select); coding-DNA position 4237, G replaced by A.
Protein change: p.Val1413Met; replaces valine 1413 with methionine.
Molecular consequence: missense variant.
Genome position (GRCh38, 1-based): chr17:10,525,827, C>T on the plus strand (G>A on the coding strand, the complement: MYH2 is on the minus strand). VCF-style: chr17-10525827-C-T. GRCh37 (hg19) VCF-style: chr17-10429144-C-T.
Other names: c.4237G>A, p.Val1413Met (NM_001100112.2); short protein forms V1413M.
Identifiers: ClinVar variation 1721963 (VCV001721963.6), dbSNP rs2073345364, ClinGen allele CA398126300.

ClinVar aggregate classification (germline): Uncertain significance (1 of 4 stars; one submission).

Conditions:
Myopathy, proximal, and ophthalmoplegia (CMYO6). Also called: MYOPATHY WITH CONGENITAL JOINT CONTRACTURES, OPHTHALMOPLEGIA, AND RIMMED VACUOLES; INCLUSION BODY MYOPATHY 3, AUTOSOMAL DOMINANT; CONGENITAL MYOPATHY 6 WITH OPHTHALMOPLEGIA. Identifiers: Orphanet 363677, Orphanet 79091, MedGen C1854106, MONDO:0011577, OMIM 605637.

Allele frequency attached by ClinVar (database versions not stated): TOPMed below 0.00001.

Submission:

Labcorp Genetics (formerly Invitae), Labcorp
Classification: Uncertain significance for Myopathy, proximal, and ophthalmoplegia. Last evaluated: 2022-10-20. Review status: criteria provided, single submitter. Criteria: Invitae Variant Classification Sherloc (09022015). Collection method: clinical testing. Allele origin: germline.
Comment: This sequence change replaces valine, which is neutral and non-polar, with methionine, which is neutral and non-polar, at codon 1413 of the MYH2 protein (p.Val1413Met). This variant is not present in population databases (gnomAD no frequency). This variant has not been reported in the literature in individuals affected with MYH2-related conditions. Advanced modeling of protein sequence and biophysical properties (such as structural, functional, and spatial information, amino acid conservation, physicochemical variation, residue mobility, and thermodynamic stability) performed at Invitae indicates that this missense variant is not expected to disrupt MYH2 protein function. In summary, the available evidence is currently insufficient to determine the role of this variant in disease. Therefore, it has been classified as a Variant of Uncertain Significance.